The following is an entry in ClinVar:

NM_001009999.3(KDM1A):c.1717C>T (p.Leu573Phe)

Gene: KDM1A (lysine demethylase 1A; plus strand). Cytogenetic location: 1p36.12.
Variant type: single nucleotide variant.
Coding change: c.1717C>T on transcript NM_001009999.3 (MANE Select); coding-DNA position 1717, C replaced by T.
Protein change: p.Leu573Phe; replaces leucine 573 with phenylalanine.
Molecular consequence: missense variant.
Genome position (GRCh38, 1-based): chr1:23,073,386, C>T. VCF-style: chr1-23073386-C-T. GRCh37 (hg19) VCF-style: chr1-23399879-C-T.
Other names: c.1663C>T, p.Leu555Phe (NM_001363654.2); c.1723C>T, p.Leu575Phe (NM_001410762.1); c.1645C>T, p.Leu549Phe (NM_001410763.1, NM_015013.4); short protein forms L575F, L573F, L549F, L555F.
Identifiers: ClinVar variation 4622712 (VCV004622712.1).

ClinVar aggregate classification (germline): Uncertain significance (1 of 4 stars; one submission).

Conditions:
Inborn genetic diseases. Identifiers: MedGen C0950123, MeSH D030342.

Submission:

Ambry Genetics
Classification: Uncertain significance for Inborn genetic diseases. Last evaluated: 2025-11-15. Review status: criteria provided, single submitter. Criteria: Ambry Variant Classification Scheme 2023. Collection method: clinical testing. Allele origin: germline.
Comment: The p.L573F variant (also known as c.1717C>T), located in coding exon 15 of the KDM1A gene, results from a C to T substitution at nucleotide position 1717. The leucine at codon 573 is replaced by phenylalanine, an amino acid with highly similar properties. This amino acid position is conserved. In addition, this alteration is predicted to be deleterious by in silico analysis. Based on the available evidence, the clinical significance of this variant remains unclear.